The following is an entry in ClinVar:

ClinVar aggregate classification (germline): Uncertain significance. Review status: criteria provided, multiple submitters, no conflicts (2 of 4 stars). 2 submissions from 2 submitters: Uncertain significance (2). Last evaluated 2025-08-08.

Conditions:
Inborn genetic diseases. Identifiers: MedGen C0950123, MeSH D030342.
Saldino-Mainzer syndrome (SRTD9). Also called: CONORENAL SYNDROME; Renal dysplasia, retinal pigmentary dystrophy, cerebellar ataxia and skeletal dysplasia; SHORT-RIB THORACIC DYSPLASIA 9 WITHOUT POLYDACTYLY; short-rib thoracic dysplasia 9 with or without polydactyly. Identifiers: Orphanet 140969, MedGen C1849437, MONDO:0009964, OMIM 266920.

Allele frequency attached by ClinVar (database versions not stated): gnomAD exomes below 0.00001 and 0.00001; ExAC 0.00002.
gnomAD v4.1: 2 of 1,614,138 alleles (0.00012%); highest among the groups gnomAD compares: Admixed American, 0.0033%; no homozygotes.

Submissions (2):

Labcorp Genetics (formerly Invitae), Labcorp
Classification: Uncertain significance for Saldino-Mainzer syndrome. Last evaluated: 2025-08-08. Review status: criteria provided, single submitter. Criteria: Invitae Variant Classification Sherloc (09022015). Collection method: clinical testing. Allele origin: germline.
Comment: This sequence change replaces lysine, which is basic and polar, with glutamic acid, which is acidic and polar, at codon 366 of the IFT140 protein (p.Lys366Glu). This variant is present in population databases (rs776044753, gnomAD 0.006%). This variant has not been reported in the literature in individuals affected with IFT140-related conditions. ClinVar contains an entry for this variant (Variation ID: 1401825). Invitae Evidence Modeling of protein sequence and biophysical properties (such as structural, functional, and spatial information, amino acid conservation, physicochemical variation, residue mobility, and thermodynamic stability) indicates that this missense variant is not expected to disrupt IFT140 protein function with a negative predictive value of 95%. In summary, the available evidence is currently insufficient to determine the role of this variant in disease. Therefore, it has been classified as a Variant of Uncertain Significance.

Ambry Genetics
Classification: Uncertain significance for Inborn genetic diseases. Last evaluated: 2025-05-21. Review status: criteria provided, single submitter. Criteria: Ambry Variant Classification Scheme 2023. Collection method: clinical testing. Allele origin: germline.

NM_014714.4(IFT140):c.1096A>G (p.Lys366Glu)

Genes: IFT140 (intraflagellar transport 140; minus strand), LOC105371046 (uncharacterized LOC105371046; plus strand). Cytogenetic location: 16p13.3.
Variant type: single nucleotide variant.
Coding change: c.1096A>G on transcript NM_014714.4 (MANE Select); coding-DNA position 1096, A replaced by G.
Protein change: p.Lys366Glu; replaces lysine 366 with glutamic acid.
Molecular consequence: missense variant.
Genome position (GRCh38, 1-based): chr16:1,586,189, T>C on the plus strand (A>G on the coding strand, the complement: IFT140 is on the minus strand). VCF-style: chr16-1586189-T-C. GRCh37 (hg19) VCF-style: chr16-1636190-T-C.
Other names: c.1096A>G (NM_014714.3); short protein forms K366E.
Identifiers: ClinVar variation 1401825 (VCV001401825.9), dbSNP rs776044753, ClinGen allele CA7814437.